The following is an entry in ClinVar:

ClinVar aggregate classification (germline): Benign/Likely benign. Review status: criteria provided, multiple submitters, no conflicts (2 of 4 stars). 5 submissions from 5 submitters: Benign (3); Likely benign (2). Last evaluated 2026-02-04.

Conditions:
Immunodeficiency 104. Also called: Severe combined immunodeficiency, autosomal recessive, T cell-negative, B cell-positive, NK cell-positive; SCID, AUTOSOMAL RECESSIVE, T CELL-NEGATIVE, B CELL-POSITIVE, NK CELL-POSITIVE; Severe Combined Immune Deficiency, Autosomal Recessive, TCell -Negative, B Cell-Positive, NK Cell-Positive, IL7R-Related; IMMUNODEFICIENCY 104, SEVERE COMBINED. Identifiers: MedGen C5676890, MONDO:0012163, OMIM 608971.

Allele frequency attached by ClinVar (database versions not stated): 1000 Genomes Project 30x 0.00718; 1000 Genomes Project 0.00759; TOPMed 0.01343; ESP Exome Variant Server 0.01607; gnomAD exomes 0.01747 and 0.01753; gnomAD 0.01793; ExAC 0.01590.

Submissions (5):

Labcorp Genetics (formerly Invitae), Labcorp
Classification: Benign for Immunodeficiency 104. Last evaluated: 2026-02-04. Review status: criteria provided, single submitter. Criteria: Invitae Variant Classification Sherloc (09022015). Collection method: clinical testing. Allele origin: germline.

Women's Health and Genetics/Laboratory Corporation of America, LabCorp
Classification: Likely benign. Last evaluated: 2026-01-23. Review status: criteria provided, single submitter. Criteria: LabCorp Variant Classification Summary - May 2015. Collection method: clinical testing. Allele origin: germline.

Blueprint Genetics
Classification: Likely benign. Last evaluated: 2024-11-26. Review status: criteria provided, single submitter. Criteria: ACMG Guidelines, 2015. Collection method: clinical testing. Allele origin: germline.

GeneDx
Classification: Benign. Last evaluated: 2013-08-02. Review status: criteria provided, single submitter. Criteria: GeneDx Variant Classification (06012015). Collection method: clinical testing. Allele origin: germline. Affected: yes.
Comment: This variant is considered likely benign or benign based on one or more of the following criteria: it is a conservative change, it occurs at a poorly conserved position in the protein, it is predicted to be benign by multiple in silico algorithms, and/or has population frequency not consistent with disease.

Breakthrough Genomics
Classification: Benign. Review status: criteria provided, single submitter. Criteria: ACMG Guidelines, 2015. Collection method: not provided. Allele origin: germline. Inheritance: Autosomal recessive inheritance. Affected: yes.

NM_002838.5(PTPRC):c.886A>C (p.Ile296Leu)

Gene: PTPRC (protein tyrosine phosphatase receptor type C; plus strand). Cytogenetic location: 1q32.1.
Variant type: single nucleotide variant.
Coding change: c.886A>C on transcript NM_002838.5 (MANE Select); coding-DNA position 886, A replaced by C.
Protein change: p.Ile296Leu; replaces isoleucine 296 with leucine.
Molecular consequence: missense variant.
Genome position (GRCh38, 1-based): chr1:198,706,934, A>C. VCF-style: chr1-198706934-A-C. GRCh37 (hg19) VCF-style: chr1-198676063-A-C.
Other names: p.I294L:ATA>CTA; c.403A>C, p.Ile135Leu (NM_080921.4); short protein forms I296L, I135L.
Identifiers: ClinVar variation 138848 (VCV000138848.14), dbSNP rs2230606, ClinGen allele CA292982.